The following is an entry in ClinVar:

ClinVar aggregate classification (germline): Uncertain significance. Review status: criteria provided, multiple submitters, no conflicts (2 of 4 stars). 2 submissions from 2 submitters: Uncertain significance (2). Last evaluated 2022-08-08.

Conditions:
Hypercalcemia, infantile, 1 (HCINF1). Identifiers: Orphanet 300547, MedGen CN031131, MONDO:0020739, OMIM 143880.

Allele frequency attached by ClinVar (database versions not stated): gnomAD 0.00001; gnomAD exomes 0.00001 and 0.00002; TOPMed 0.00001.

Submissions (2):

Labcorp Genetics (formerly Invitae), Labcorp
Classification: Uncertain significance. Last evaluated: 2022-08-08. Review status: criteria provided, single submitter. Criteria: Invitae Variant Classification Sherloc (09022015). Collection method: clinical testing. Allele origin: germline.
Comment: In summary, the available evidence is currently insufficient to determine the role of this variant in disease. Therefore, it has been classified as a Variant of Uncertain Significance. Advanced modeling of protein sequence and biophysical properties (such as structural, functional, and spatial information, amino acid conservation, physicochemical variation, residue mobility, and thermodynamic stability) performed at Invitae indicates that this missense variant is not expected to disrupt CYP24A1 protein function. ClinVar contains an entry for this variant (Variation ID: 895538). This variant has not been reported in the literature in individuals affected with CYP24A1-related conditions. This variant is present in population databases (no rsID available, gnomAD 0.002%). This sequence change replaces alanine, which is neutral and non-polar, with threonine, which is neutral and polar, at codon 510 of the CYP24A1 protein (p.Ala510Thr).

Illumina Laboratory Services, Illumina
Classification: Uncertain significance for Hypercalcemia, infantile, 1. Last evaluated: 2017-04-27. Review status: criteria provided, single submitter. Criteria: ICSL Variant Classification Criteria 13 December 2019. Collection method: clinical testing. Allele origin: germline.

NM_000782.5(CYP24A1):c.1528G>A (p.Ala510Thr)

Gene: CYP24A1 (cytochrome P450 family 24 subfamily A member 1; minus strand). Cytogenetic location: 20q13.2.
Variant type: single nucleotide variant.
Coding change: c.1528G>A on transcript NM_000782.5 (MANE Select); coding-DNA position 1528, G replaced by A.
Protein change: p.Ala510Thr; replaces alanine 510 with threonine.
Molecular consequence: missense variant.
Genome position (GRCh38, 1-based): chr20:54,157,196, C>T on the plus strand (G>A on the coding strand, the complement: CYP24A1 is on the minus strand). VCF-style: chr20-54157196-C-T. GRCh37 (hg19) VCF-style: chr20-52773735-C-T.
Other names: c.1330G>A, p.Ala444Thr (NM_001128915.2); short protein forms A510T, A444T.
Identifiers: ClinVar variation 895538 (VCV000895538.9), dbSNP rs1475780594, ClinGen allele CA409394120.